The following is an entry in ClinVar:

NM_015570.4(AUTS2):c.955_957del (p.Ser319del)

Gene: AUTS2 (activator of transcription and developmental regulator AUTS2; plus strand). Cytogenetic location: 7q11.22.
Variant type: Deletion.
Coding change: c.955_957del on transcript NM_015570.4 (MANE Select); coding-DNA positions 955 to 957, 3 bases deleted (TCT; older notation c.955_957delTCT).
Protein change: p.Ser319del; deletes serine 319.
Molecular consequence: inframe deletion.
Genome position (GRCh38, 1-based): chr7:70,763,082-70,763,084, TCT deleted; deleting any 3 consecutive bases within chr7:70,763,080-70,763,084 gives the same sequence; the c. name uses the placement nearest the transcript's 3' end. VCF-style (leftmost placement, unchanged base first): chr7-70763079-CCTT-C. GRCh37 (hg19) VCF-style: chr7-70228065-CCTT-C.
Other names: c.955_957del, p.Ser319del (NM_001127231.3); short protein forms S319del.
Identifiers: ClinVar variation 1975125 (VCV001975125.5), dbSNP rs2484637902, ClinGen allele CA2580077328.

ClinVar aggregate classification (germline): Uncertain significance (1 of 4 stars; one submission).

Submission:

Labcorp Genetics (formerly Invitae), Labcorp
Classification: Uncertain significance. Last evaluated: 2022-02-28. Review status: criteria provided, single submitter. Criteria: Invitae Variant Classification Sherloc (09022015). Collection method: clinical testing. Allele origin: germline.
Comment: In summary, the available evidence is currently insufficient to determine the role of this variant in disease. Therefore, it has been classified as a Variant of Uncertain Significance. Experimental studies and prediction algorithms are not available or were not evaluated, and the functional significance of this variant is currently unknown. This variant has not been reported in the literature in individuals affected with AUTS2-related conditions. This variant is not present in population databases (gnomAD no frequency). This variant, c.955_957del, results in the deletion of 1 amino acid(s) of the AUTS2 protein (p.Ser319del), but otherwise preserves the integrity of the reading frame.